The following is an entry in ClinVar:

NM_001281775.3(ZMYND8):c.2239C>T (p.Arg747Ter)

Gene: ZMYND8 (zinc finger MYND-type containing 8; minus strand). Cytogenetic location: 20q13.12.
Variant type: single nucleotide variant.
Coding change: c.2239C>T on transcript NM_001281775.3 (MANE Select); coding-DNA position 2239, C replaced by T.
Protein change: p.Arg747Ter; replaces arginine 747 with a stop codon.
Molecular consequence: nonsense.
Genome position (GRCh38, 1-based): chr20:47,246,053, G>A on the plus strand (C>T on the coding strand, the complement: ZMYND8 is on the minus strand). VCF-style: chr20-47246053-G-A. GRCh37 (hg19) VCF-style: chr20-45874797-G-A.
Other names: c.2164C>T, p.Arg722Ter (NM_001281771.3, NM_001281777.3, NM_001281778.3 and 2 more transcripts); c.2179C>T, p.Arg727Ter (NM_001281772.3, NM_001281773.3, NM_001281774.3 and 1 more transcripts); c.2239C>T, p.Arg747Ter (NM_001281776.3, NM_001281783.3, NM_012408.6 and 1 more transcripts); c.1435C>T, p.Arg479Ter (NM_001281779.3, NM_001281780.3); c.2023C>T, p.Arg675Ter (NM_001281781.3, NM_001281784.3); c.2260C>T, p.Arg754Ter (NM_001363714.1); short protein forms R479*, R675*, R722*, R727*, R747*, R754*.
Identifiers: ClinVar variation 4076886 (VCV004076886.1).

ClinVar aggregate classification (germline): Uncertain significance (1 of 4 stars; one submission).

Submission:

GeneDx
Classification: Uncertain significance. Last evaluated: 2025-02-20. Review status: criteria provided, single submitter. Criteria: GeneDx Variant Classification Process June 2021. Collection method: clinical testing. Allele origin: germline. Affected: yes.
Comment: Nonsense variant predicted to result in protein truncation or nonsense mediated decay in a gene or region of a gene for which loss of function is not a well-established mechanism of disease; Not observed at significant frequency in large population cohorts (gnomAD); Has not been previously published as pathogenic or benign to our knowledge